The following is an entry in ClinVar:

ClinVar aggregate classification (germline): Uncertain significance. Review status: criteria provided, multiple submitters, no conflicts (2 of 4 stars). 2 submissions from 2 submitters: Uncertain significance (2). Last evaluated 2025-04-23.

Conditions:
Alstrom syndrome (ALMS). Identifiers: Orphanet 64, MedGen C0268425, MONDO:0008763, OMIM 203800.
ALMS1-related disorder. Also called: ALMS1-related condition.

Allele frequency attached by ClinVar (database versions not stated): TOPMed below 0.00001.

Submissions (2):

PreventionGenetics, part of Exact Sciences
Classification: Uncertain significance for ALMS1-related condition. Last evaluated: 2025-04-23. Review status: criteria provided, single submitter. Criteria: ACMG Guidelines, 2015. Collection method: clinical testing. Allele origin: germline.
Comment: The ALMS1 c.7688G>A variant is predicted to result in the amino acid substitution p.Arg2563Gln. To our knowledge, this variant has not been reported in the literature. This variant is reported in 0.0033% of alleles in individuals of South Asian descent in gnomAD. At this time, the clinical significance of this variant is uncertain due to the absence of conclusive functional and genetic evidence.

Labcorp Genetics (formerly Invitae), Labcorp
Classification: Uncertain significance for Alstrom syndrome. Last evaluated: 2023-11-27. Review status: criteria provided, single submitter. Criteria: Invitae Variant Classification Sherloc (09022015). Collection method: clinical testing. Allele origin: germline.
Comment: This sequence change replaces serine, which is neutral and polar, with asparagine, which is neutral and polar, at codon 2563 of the ALMS1 protein (p.Ser2563Asn). This variant is not present in population databases (gnomAD no frequency). This variant has not been reported in the literature in individuals affected with ALMS1-related conditions. ClinVar contains an entry for this variant (Variation ID: 1444813). Experimental studies and prediction algorithms are not available or were not evaluated, and the functional significance of this variant is currently unknown. In summary, the available evidence is currently insufficient to determine the role of this variant in disease. Therefore, it has been classified as a Variant of Uncertain Significance.

NM_001378454.1(ALMS1):c.7685G>A (p.Ser2562Asn)

Gene: ALMS1 (ALMS1 centrosome and basal body associated protein; plus strand). Cytogenetic location: 2p13.1.
Variant type: single nucleotide variant.
Coding change: c.7685G>A on transcript NM_001378454.1 (MANE Select); coding-DNA position 7685, G replaced by A.
Protein change: p.Ser2562Asn; replaces serine 2562 with asparagine.
Molecular consequence: missense variant.
Genome position (GRCh38, 1-based): chr2:73,489,644, G>A. VCF-style: chr2-73489644-G-A. GRCh37 (hg19) VCF-style: chr2-73716771-G-A.
Other names: c.7688G>A, p.Ser2563Asn (NM_015120.4); short protein forms S2563N, S2562N.
Identifiers: ClinVar variation 1444813 (VCV001444813.7), dbSNP rs1672930739, ClinGen allele CA347263849.